The following is an entry in ClinVar:

NM_001378454.1(ALMS1):c.36GGA[17] (p.Glu25_Glu28dup)

Gene: ALMS1 (ALMS1 centrosome and basal body associated protein; plus strand). Cytogenetic location: 2p13.1.
Variant type: Microsatellite.
Coding change: c.36GGA[17] on transcript NM_001378454.1 (MANE Select); 17 copies in a row of the 3-base unit GGA starting at c.36; the reference has 13 copies in a row; four copies, 12 bases duplicated.
Protein change: p.Glu25_Glu28dup.
Molecular consequence: inframe insertion.
Genome position (GRCh38, 1-based): chr2:73,385,931-73,385,942, GGAGGAGGAGGA duplicated; duplicating any 12 consecutive bases within chr2:73,385,904-73,385,942 gives the same sequence; the position shown is the placement nearest the transcript's 3' end. VCF-style (leftmost placement, unchanged base first): chr2-73385903-T-TGGAGGAGGAGGA. GRCh37 (hg19) VCF-style: chr2-73613031-T-TGGAGGAGGAGGA.
Other names: c.36GGA[18], p.Glu26_Glu29dup (NM_015120.4); c.69_77dupGGAGGAGGA (NM_015120.4).
Identifiers: ClinVar variation 412658 (VCV000412658.15), dbSNP rs55889738, ClinGen allele CA350655.
Genomic context (GRCh38, chr2:73,385,903, plus strand): 5'-TCTGCCGCCCAGAGCGAGACACCAACATGGAGCCCGAGGATCTGCCATGGCCGGGCGAGC[T>TGGAGGAGGAGGA]GGAGGAGGAGGAGGAGGAGGAGGAGGAGGAGGAGGAGGAAGAGGAGGAGGCTGCAGCGGC-3'

ClinVar aggregate classification (germline): Benign/Likely benign. Review status: criteria provided, multiple submitters, no conflicts (2 of 4 stars). 3 submissions from 3 submitters: Benign (2); Likely benign (1). Last evaluated 2024-11-19.

Conditions:
Cardiovascular phenotype. Identifiers: MedGen CN230736.

Submissions (3):

Blueprint Genetics
Classification: Likely benign. Last evaluated: 2024-11-19. Review status: criteria provided, single submitter. Criteria: ACMG Guidelines, 2015. Collection method: clinical testing. Allele origin: germline.

Women's Health and Genetics/Laboratory Corporation of America, LabCorp
Classification: Benign. Last evaluated: 2019-11-25. Review status: criteria provided, single submitter. Criteria: LabCorp Variant Classification Summary - May 2015. Collection method: clinical testing. Allele origin: germline.
Comment: Variant summary: The ALMS1 variant, c.66_74dupGGAGGAGGA (p.Glu26_Glu28dup, also known as c.69_77dup) is located in a Glu repetitive region. The variant allele was found at a frequency of 0.0043 in 83366 control chromosomes, predominantly at a frequency of 0.011 within the South Asian subpopulation in the gnomAD database. The observed variant frequency within South Asian control individuals in the gnomAD database is approximately 5-folds over the estimated maximal expected allele frequency for a pathogenic variant in ALMS1 causing Cardiomyopathy phenotype (0.0022), strongly suggesting that the variant is a benign polymorphism found primarily in populations of South Asian origin. To our knowledge, no occurrence of c.66_74dupGGAGGAGGA in individuals affected with Cardiomyopathy and no experimental evidence demonstrating its impact on protein function have been reported. No clinical diagnostic laboratories have submitted clinical-significance assessments for this variant to ClinVar after 2014. Based on the evidence outlined above, the variant was classified as benign.

Ambry Genetics
Classification: Benign for Cardiovascular phenotype. Last evaluated: 2019-01-09. Review status: criteria provided, single submitter. Criteria: Ambry Variant Classification Scheme 2023. Collection method: clinical testing. Allele origin: germline.